The following is an entry in ClinVar:

ClinVar aggregate classification (germline): Uncertain significance. Review status: criteria provided, multiple submitters, no conflicts (2 of 4 stars). 2 submissions from 2 submitters: Uncertain significance (2). Last evaluated 2025-06-02.

Conditions:
Autosomal recessive severe congenital neutropenia due to CSF3R deficiency. Also called: Neutropenia, severe congenital, 7, autosomal recessive. Identifiers: Orphanet 420702, MedGen C4310764, MONDO:0014865, OMIM 617014.

Allele frequency attached by ClinVar (database versions not stated): gnomAD exomes below 0.00001; TOPMed 0.00001; ExAC 0.00002.
gnomAD v4.1: 5 of 1,613,468 alleles (0.00031%); highest among the groups gnomAD compares: South Asian, 0.0044%; no homozygotes.

Submissions (2):

Labcorp Genetics (formerly Invitae), Labcorp
Classification: Uncertain significance for Autosomal recessive severe congenital neutropenia due to CSF3R deficiency. Last evaluated: 2025-06-02. Review status: criteria provided, single submitter. Criteria: Invitae Variant Classification Sherloc (09022015). Collection method: clinical testing. Allele origin: germline.
Comment: This sequence change replaces arginine, which is basic and polar, with tryptophan, which is neutral and slightly polar, at codon 826 of the CSF3R protein (p.Arg826Trp). This variant is present in population databases (rs770842748, gnomAD 0.01%). This variant has not been reported in the literature in individuals affected with CSF3R-related conditions. ClinVar contains an entry for this variant (Variation ID: 1938280). An algorithm developed to predict the effect of missense changes on protein structure and function (PolyPhen-2) suggests that this variant is likely to be disruptive. In summary, the available evidence is currently insufficient to determine the role of this variant in disease. Therefore, it has been classified as a Variant of Uncertain Significance.

Genomic Medicine Center of Excellence, King Faisal Specialist Hospital and Research Centre
Classification: Uncertain significance for Autosomal recessive severe congenital neutropenia due to CSF3R deficiency. Last evaluated: 2024-03-29. Review status: criteria provided, single submitter. Criteria: ACMG Guidelines, 2015. Collection method: clinical testing. Allele origin: germline.

NM_000760.4(CSF3R):c.2476C>T (p.Arg826Trp)

Gene: CSF3R (colony stimulating factor 3 receptor; minus strand). Cytogenetic location: 1p34.3.
Variant type: single nucleotide variant.
Coding change: c.2476C>T on transcript NM_000760.4 (MANE Select); coding-DNA position 2476, C replaced by T.
Protein change: p.Arg826Trp; replaces arginine 826 with tryptophan.
Molecular consequence: missense variant. On other transcripts: intron variant (1).
Genome position (GRCh38, 1-based): chr1:36,466,392, G>A on the plus strand (C>T on the coding strand, the complement: CSF3R is on the minus strand). VCF-style: chr1-36466392-G-A. GRCh37 (hg19) VCF-style: chr1-36931993-G-A.
Other names: c.2557C>T, p.Arg853Trp (NM_156039.3); c.2248-192C>T (NM_172313.3); short protein forms R826W, R853W.
Identifiers: ClinVar variation 1938280 (VCV001938280.6), dbSNP rs770842748, ClinGen allele CA768889.
Genomic context (GRCh38, chr1:36,466,392, plus strand): 5'-CCCAAGAAGGGAACCCCAGGAAGCCCTAGAAGCTCCCCAGCGCCTCCATCCCATGGACCC[G>A]GATCCCCTGCAGGAGGGGGAAGTTGAGCAGTGGCCCAAAGACACAGTCGTCCTCCTGGCT-3'
Protein context (NP_000751.1, residues 816-836): LLNFPLLQGI[Arg826Trp]VHGMEALGSF